The following is an entry in ClinVar:

NM_005264.8(GFRA1):c.650G>A (p.Arg217Gln)

Gene: GFRA1 (GDNF family receptor alpha 1; minus strand). Cytogenetic location: 10q25.3.
Variant type: single nucleotide variant.
Coding change: c.650G>A on transcript NM_005264.8 (MANE Select); coding-DNA position 650, G replaced by A.
Protein change: p.Arg217Gln; replaces arginine 217 with glutamine.
Molecular consequence: missense variant.
Genome position (GRCh38, 1-based): chr10:116,125,341, C>T on the plus strand (G>A on the coding strand, the complement: GFRA1 is on the minus strand). VCF-style: chr10-116125341-C-T. GRCh37 (hg19) VCF-style: chr10-117884852-C-T.
Other names: c.635G>A, p.Arg212Gln (NM_001382556.2, NM_001382557.2, NM_001382558.2 and 6 more transcripts); c.650G>A, p.Arg217Gln (NM_001348097.1, NM_001348098.4); c.287G>A, p.Arg96Gln (NM_001348099.3); short protein forms R212Q, R217Q, R96Q.
Identifiers: ClinVar variation 3040540 (VCV003040540.2), dbSNP rs200334587, ClinGen allele CA5705343.

ClinVar aggregate classification (germline): Likely benign (0 of 4 stars; one submission).

Conditions:
GFRA1-related disorder. Also called: GFRA1-related condition.

Allele frequency attached by ClinVar (database versions not stated): TOPMed 0.00005; 1000 Genomes Project 30x 0.00016; 1000 Genomes Project 0.00020; gnomAD 0.00029; ExAC 0.00036.
gnomAD v4.1: 328 of 1,614,224 alleles (0.02%); highest among the groups gnomAD compares: Middle Eastern, 0.016%; 2 homozygotes.

Submission:

PreventionGenetics, part of Exact Sciences
Classification: Likely benign for GFRA1-related condition. Last evaluated: 2019-09-24. Review status: no assertion criteria provided. Collection method: clinical testing. Allele origin: germline.
Comment: This variant is classified as likely benign based on ACMG/AMP sequence variant interpretation guidelines (Richards et al. 2015 PMID: 25741868, with internal and published modifications).